The following is an entry in ClinVar:

ClinVar aggregate classification (germline): Uncertain significance (1 of 4 stars; one submission).

Submission:

Labcorp Genetics (formerly Invitae), Labcorp
Classification: Uncertain significance. Last evaluated: 2025-03-24. Review status: criteria provided, single submitter. Criteria: Invitae Variant Classification Sherloc (09022015). Collection method: clinical testing. Allele origin: germline.
Comment: This sequence change creates a premature translational stop signal (p.Leu242Argfs*55) in the APOA5 gene. While this is not anticipated to result in nonsense mediated decay, it is expected to disrupt the last 125 amino acid(s) of the APOA5 protein. This variant is not present in population databases (gnomAD no frequency). This variant has not been reported in the literature in individuals affected with APOA5-related conditions. Experimental studies and prediction algorithms are not available or were not evaluated, and the functional significance of this variant is currently unknown. In summary, the available evidence is currently insufficient to determine the role of this variant in disease. Therefore, it has been classified as a Variant of Uncertain Significance.

NM_001371904.1(APOA5):c.725del (p.Leu242fs)

Gene: APOA5 (apolipoprotein A5; minus strand). Cytogenetic location: 11q23.3.
Variant type: Deletion.
Coding change: c.725del on transcript NM_001371904.1 (MANE Select); coding-DNA position 725, one base deleted (T; older notation c.725delT).
Protein change: p.Leu242fs; shifts the reading frame from leucine 242.
Molecular consequence: frameshift variant.
Genome position (GRCh38, 1-based): chr11:116,790,504, A deleted on the plus strand (T on the coding strand, the reverse complement: APOA5 is on the minus strand). VCF-style (leftmost placement, unchanged base first): chr11-116790503-CA-C. GRCh37 (hg19) VCF-style: chr11-116661219-CA-C.
Other names: c.725del, p.Leu242fs (NM_001166598.2, NM_052968.5); short protein forms L242fs.
Identifiers: ClinVar variation 4781195 (VCV004781195.1).